The following is an entry in ClinVar:

NM_000138.5(FBN1):c.4321G>A (p.Gly1441Arg)

Genes: FBN1 (fibrillin 1; minus strand), LOC126862124 (CDK7 strongly-dependent group 2 enhancer GRCh37_chr15:48764566-48765765; plus strand). Cytogenetic location: 15q21.1.
Variant type: single nucleotide variant.
Coding change: c.4321G>A on transcript NM_000138.5 (MANE Select); coding-DNA position 4321, G replaced by A.
Protein change: p.Gly1441Arg; replaces glycine 1441 with arginine.
Molecular consequence: missense variant.
Genome position (GRCh38, 1-based): chr15:48,472,566, C>T on the plus strand (G>A on the coding strand, the complement: FBN1 is on the minus strand). VCF-style: chr15-48472566-C-T. GRCh37 (hg19) VCF-style: chr15-48764763-C-T.
Other names: short protein forms G1441R.
Identifiers: ClinVar variation 495607 (VCV000495607.32), dbSNP rs372118067, ClinGen allele CA052488.

ClinVar aggregate classification (germline): Conflicting classifications of pathogenicity. Review status: criteria provided, conflicting classifications (1 of 4 stars). 14 submissions from 8 submitters: Uncertain significance (7); Likely benign (7). Last evaluated 2026-08-12.

Conditions:
Geleophysic dysplasia. Identifiers: Orphanet 2623, MedGen C3489726, MONDO:0000127.
Weill-Marchesani syndrome. Also called: WM Syndrome; Mesodermal dysmorphodystrophy congenital. Identifiers: Orphanet 3449, MedGen C0265313, MONDO:0018096.
Marfan syndrome (MFS). Also called: MARFAN SYNDROME, TYPE I; FBN1-Related Marfan Syndrome; Marfan syndrome type 1; Marfan's syndrome; Marfan syndrome, classic. Identifiers: Orphanet 284963, Orphanet 558, MedGen C0024796, MONDO:0007947, OMIM 154700.
Familial thoracic aortic aneurysm and aortic dissection (TAAD). Also called: Thoracic aortic aneurysms and dissections. Identifiers: Orphanet 91387, MedGen C4707243, MONDO:0019625.
Acromicric dysplasia (ACMICD). Also called: Acromicric skeletal dysplasia. Identifiers: Orphanet 969, MedGen C0265287, MONDO:0007055, OMIM 102370.
Stiff skin syndrome (SSKS). Identifiers: Orphanet 2833, MedGen C1861456, MONDO:0008492, OMIM 184900.
Ectopia lentis 1, isolated, autosomal dominant (ECTOL1). Identifiers: Orphanet 1885, MedGen C3541518, MONDO:0007514, OMIM 129600.

Allele frequency attached by ClinVar (database versions not stated): ExAC 0.00005; ESP Exome Variant Server 0.00008; TOPMed 0.00009; gnomAD exomes 0.00004; gnomAD 0.00005 and 0.00003.
gnomAD v4.1: 59 of 1,614,076 alleles (0.0037%); highest among the groups gnomAD compares: Admixed American, 0.02%; no homozygotes.

Submissions (14):

GeneDx
Classification: Uncertain significance. Last evaluated: 2026-08-12. Review status: criteria provided, single submitter. Criteria: GeneDx Variant Classification Process June 2021. Collection method: clinical testing. Allele origin: germline.
Comment: In silico analysis suggests that this missense variant does not alter protein structure/function; Does not affect a cysteine or calcium-binding residue within an EGF-like domain or a TGF-binding protein domain of the FBN1 gene; cysteine substitutions in the EGF-like domains represent the majority of pathogenic missense changes associated with FBN1-related disorders (PMID: 12938084); Has not been previously published as pathogenic or benign to our knowledge; This variant is associated with the following publications: (PMID: 12938084)

Dasa
Classification: Uncertain significance. Last evaluated: 2026-04-24. Review status: criteria provided, single submitter. Criteria: DASA Assertion Criteria. Collection method: clinical testing. Allele origin: germline.
Comment: NM_000138.5(FBN1):c.4321G>A (p.Gly1441Arg) is a missense variant that results in the substitution of glycine with arginine. This variant is rare in population databases. The currently available literature and clinical evidence are not sufficient to establish a definitive association between this variant and the reported condition. Therefore, this variant is classified as a variant of uncertain significance.

Labcorp Genetics (formerly Invitae), Labcorp
Classification: Likely benign for Marfan syndrome; Familial thoracic aortic aneurysm and aortic dissection. Last evaluated: 2026-01-20. Review status: criteria provided, single submitter. Criteria: Invitae Variant Classification Sherloc (09022015). Collection method: clinical testing. Allele origin: germline.

Color Diagnostics, LLC DBA Color Health
Classification: Uncertain significance for Familial thoracic aortic aneurysm and aortic dissection. Last evaluated: 2025-11-26. Review status: criteria provided, single submitter. Criteria: ACMG Guidelines, 2015. Collection method: clinical testing. Allele origin: germline.
Comment: This missense variant replaces glycine with arginine at codon 1441 of the FBN1 protein. Computational prediction is inconclusive regarding the impact of this variant on protein structure and function. To our knowledge, functional studies have not been reported for this variant. This variant has not been reported in individuals affected with FBN1-related disorders in the literature. This variant has been identified in 59/1614076 chromosomes in the general population by the Genome Aggregation Database (gnomAD). The available evidence is insufficient to determine the role of this variant in disease conclusively. Therefore, this variant is classified as a Variant of Uncertain Significance.

All of Us Research Program, National Institutes of Health
Classification: Uncertain significance for Marfan syndrome. Last evaluated: 2024-06-09. Review status: criteria provided, single submitter. Criteria: ACMG Guidelines, 2015. Collection method: clinical testing. Allele origin: germline. Inheritance: Autosomal dominant inheritance. Observed: 18 variant alleles, 18 heterozygotes.
Comment: This missense variant replaces glycine with arginine at codon 1441 of the FBN1 protein. Computational prediction tools indicate that this variant's impact on protein structure and function is inconclusive. To our knowledge, functional studies have not been reported for this variant. This variant has not been reported in individuals affected with FBN1-related disorders in the literature. This variant has been identified in 11/282698 chromosomes in the general population by the Genome Aggregation Database (gnomAD). The elevated variant allele frequency in the general population indicates that this variant may not be disease-causing. However, additional studies are necessary to determine the role of this variant in disease conclusively. Therefore, this variant is classified as a Variant of Uncertain Significance.

This study involves interpretation of variants in research participants for the purpose of population health screening. Participant phenotype was not available at the time of variant classification. Additional details can be found in publication PMID: 35346344, PMCID: PMC8962531

Ambry Genetics
Classification: Likely benign for Familial thoracic aortic aneurysm and aortic dissection. Last evaluated: 2023-06-09. Review status: criteria provided, single submitter. Criteria: Ambry Variant Classification Scheme 2023. Collection method: clinical testing. Allele origin: germline.

Illumina Laboratory Services, Illumina
Classification: Likely benign for Weill-Marchesani syndrome. Last evaluated: 2018-01-12. Review status: criteria provided, single submitter. Criteria: ICSL Variant Classification Criteria 13 December 2019. Collection method: clinical testing. Allele origin: germline.
Comment: This variant was observed in the ICSL laboratory as part of a predisposition screen in an ostensibly healthy population. It had not been previously curated by ICSL or reported in the Human Gene Mutation Database (HGMD: prior to June 1st, 2018), and was therefore a candidate for classification through an automated scoring system. Utilizing variant allele frequency, disease prevalence and penetrance estimates, and inheritance mode, an automated score was calculated to assess if this variant is too frequent to cause the disease. Based on the score and internal cut-off values, a variant classified as likely benign is not then subjected to further curation. The score for this variant resulted in a classification of likely benign for this disease.

Illumina Laboratory Services, Illumina
Classification: Likely benign for Stiff skin syndrome. Last evaluated: 2018-01-12. Review status: criteria provided, single submitter. Criteria: ICSL Variant Classification Criteria 13 December 2019. Collection method: clinical testing. Allele origin: germline.
Comment: the same text as in the submission from Illumina Laboratory Services, Illumina above.

Illumina Laboratory Services, Illumina
Classification: Uncertain significance for Familial thoracic aortic aneurysm and aortic dissection. Last evaluated: 2018-01-12. Review status: criteria provided, single submitter. Criteria: ICSL Variant Classification Criteria 13 December 2019. Collection method: clinical testing. Allele origin: germline.

Illumina Laboratory Services, Illumina
Classification: Likely benign for Ectopia lentis 1, isolated, autosomal dominant. Last evaluated: 2018-01-12. Review status: criteria provided, single submitter. Criteria: ICSL Variant Classification Criteria 13 December 2019. Collection method: clinical testing. Allele origin: germline.
Comment: the same text as in the submission from Illumina Laboratory Services, Illumina above.

Illumina Laboratory Services, Illumina
Classification: Likely benign for Geleophysic dysplasia. Last evaluated: 2018-01-12. Review status: criteria provided, single submitter. Criteria: ICSL Variant Classification Criteria 13 December 2019. Collection method: clinical testing. Allele origin: germline.
Comment: the same text as in the submission from Illumina Laboratory Services, Illumina above.

Illumina Laboratory Services, Illumina
Classification: Uncertain significance for Marfan syndrome. Last evaluated: 2018-01-12. Review status: criteria provided, single submitter. Criteria: ICSL Variant Classification Criteria 13 December 2019. Collection method: clinical testing. Allele origin: germline.

Illumina Laboratory Services, Illumina
Classification: Likely benign for Acromicric dysplasia. Last evaluated: 2018-01-12. Review status: criteria provided, single submitter. Criteria: ICSL Variant Classification Criteria 13 December 2019. Collection method: clinical testing. Allele origin: germline.
Comment: the same text as in the submission from Illumina Laboratory Services, Illumina above.

Women's Health and Genetics/Laboratory Corporation of America, LabCorp
Classification: Uncertain significance. Last evaluated: 2017-04-28. Review status: criteria provided, single submitter. Criteria: LabCorp Variant Classification Summary - May 2015. Collection method: clinical testing. Allele origin: germline.
Comment: Variant summary: The FBN1 c.4321G>A (p.Gly1441Arg) variant causes a missense change involving the alteration of a conserved nucleotide. This variant is located in the EGF-like calcium-binding domain (IPR001881) and the Growth factor receptor cysteine-rich domain (IPR009030) (InterPro). 3/4 in silico tools predict a damaging outcome for this variant (SNPsandGO not captured due to low reliability index). The variant of interest has been found in a large, broad control population, ExAC in 6/121390 control chromosomes at a frequency of 0.0000494, which does not exceed the estimated maximal expected allele frequency of a pathogenic FBN1 variant (0.0001125). The variant of interest has not, to our knowledge, been reported in affected individuals via publications and/or clinical diagnostic laboratories; nor evaluated for functional impact by in vivo/vitro studies. Because of the absence of clinical information and the lack of functional studies, the variant is classified as a variant of uncertain significance (VUS).